The following is an entry in ClinVar:

NM_001048174.2(MUTYH):c.199G>T (p.Ala67Ser)

Gene: MUTYH (mutY DNA glycosylase; minus strand). Cytogenetic location: 1p34.1.
Variant type: single nucleotide variant.
Coding change: c.199G>T on transcript NM_001048174.2 (MANE Select); coding-DNA position 199, G replaced by T.
Protein change: p.Ala67Ser; replaces alanine 67 with serine.
Molecular consequence: missense variant. On other transcripts: 5 prime UTR variant (6), non-coding transcript variant (7).
Genome position (GRCh38, 1-based): chr1:45,333,478, C>A on the plus strand (G>T on the coding strand, the complement: MUTYH is on the minus strand). VCF-style: chr1-45333478-C-A. GRCh37 (hg19) VCF-style: chr1-45799150-C-A.
Other names: c.199G>T, p.Ala67Ser (NM_001048171.2, NM_001048173.2, NM_001293195.2 and 6 more transcripts); c.202G>T, p.Ala68Ser (NM_001048172.2, NM_001407071.1, NM_001407078.1 and 2 more transcripts); c.283G>T, p.Ala95Ser (NM_001128425.2); c.244G>T, p.Ala82Ser (NM_001293190.2); c.232G>T, p.Ala78Ser (NM_001293191.2, NM_001407077.1); c.-78G>T (NM_001293192.2, NM_001293196.2, NM_001407091.1); c.-73G>T (NM_001350650.2, NM_001350651.2, NM_001407082.1); c.274G>T, p.Ala92Ser (NM_001407069.1, NM_012222.3); and 3 more; short protein forms A68S, A92S, A74S, A39S, A81S, A82S, A95S, A67S.
Identifiers: ClinVar variation 4113581 (VCV004113581.1).

ClinVar aggregate classification (germline): Uncertain significance (1 of 4 stars; one submission).

Conditions:
Hereditary cancer-predisposing syndrome. Also called: Hereditary neoplastic syndrome; Neoplastic Syndromes, Hereditary; Tumor predisposition; Hereditary Cancer Syndrome. Identifiers: Orphanet 140162, MedGen C0027672, MeSH D009386, MONDO:0015356.

Submission:

Ambry Genetics
Classification: Uncertain significance for Hereditary cancer-predisposing syndrome. Last evaluated: 2025-08-27. Review status: criteria provided, single submitter. Criteria: Ambry Variant Classification Scheme 2023. Collection method: clinical testing. Allele origin: germline.
Comment: The p.A95S variant (also known as c.283G>T), located in coding exon 3 of the MUTYH gene, results from a G to T substitution at nucleotide position 283. The alanine at codon 95 is replaced by serine, an amino acid with similar properties. This amino acid position is conserved. In addition, this alteration is predicted to be tolerated by in silico analysis. Based on the available evidence, the clinical significance of this variant remains unclear.